The following is an entry in ClinVar:

NM_014431.3(PALD1):c.1937G>A (p.Arg646Gln)

Gene: PALD1 (phosphatase domain containing paladin 1; plus strand). Cytogenetic location: 10q22.1.
Variant type: single nucleotide variant.
Coding change: c.1937G>A on transcript NM_014431.3 (MANE Select); coding-DNA position 1937, G replaced by A.
Protein change: p.Arg646Gln; replaces arginine 646 with glutamine.
Molecular consequence: missense variant.
Genome position (GRCh38, 1-based): chr10:70,541,130, G>A. VCF-style: chr10-70541130-G-A. GRCh37 (hg19) VCF-style: chr10-72300886-G-A.
Other names: short protein forms R646Q.
Identifiers: ClinVar variation 2640554 (VCV002640554.24), dbSNP rs61857083, ClinGen allele CA5538456.

ClinVar aggregate classification (germline): Likely benign (1 of 4 stars; one submission).

Allele frequency attached by ClinVar (database versions not stated): 1000 Genomes Project 0.00100; 1000 Genomes Project 30x 0.00125; TOPMed 0.00362; ExAC 0.00382; ESP Exome Variant Server 0.00384; gnomAD 0.00392.
gnomAD v4.1: 7,486 of 1,612,982 alleles (0.46%); highest among the groups gnomAD compares: Non-Finnish European, 0.54%; 26 homozygotes.

Submission:

CeGaT Center for Human Genetics Tuebingen
Classification: Likely benign. Last evaluated: 2023-02-01. Review status: criteria provided, single submitter. Criteria: CeGaT Center For Human Genetics Tuebingen Variant Classification Criteria Version 2. Collection method: clinical testing. Allele origin: germline. Affected: yes. Observed: 2 variant alleles.
Comment: PALD1: BP4, BS2